The following is an entry in ClinVar:

ClinVar aggregate classification (germline): Pathogenic. Review status: criteria provided, multiple submitters, no conflicts (2 of 4 stars). 2 submissions from 2 submitters: Pathogenic (2). Last evaluated 2024-10-24.

Conditions:
KRIT1-related disorder. Also called: KRIT1-related disorders; KRIT1-related condition.
Cerebral cavernous malformation (CCM). Also called: Cavernous Hemangioma of Brain; Cerebral cavernous hemangioma (type); Cerebral cavernous malformations; CAVERNOUS ANGIOMA, FAMILIAL; CAVERNOUS ANGIOMATOUS MALFORMATIONS; CEREBRAL CAPILLARY MALFORMATIONS. Identifiers: Orphanet 221061, MedGen C2919945, MONDO:0000820, OMIM 116860, HP:0033522.

Submissions (2):

Labcorp Genetics (formerly Invitae), Labcorp
Classification: Pathogenic for Cerebral cavernous malformation. Last evaluated: 2024-10-24. Review status: criteria provided, single submitter. Criteria: Invitae Variant Classification Sherloc (09022015). Collection method: clinical testing. Allele origin: germline.
Comment: This sequence change creates a premature translational stop signal (p.Ser430*) in the KRIT1 gene. It is expected to result in an absent or disrupted protein product. Loss-of-function variants in KRIT1 are known to be pathogenic (PMID: 10508515, 11222804, 12404106, 24689081). This variant is not present in population databases (gnomAD no frequency). This premature translational stop signal has been observed in individual(s) with cerebral cavernous malformations (PMID: 12882686). Algorithms developed to predict the effect of sequence changes on RNA splicing suggest that this variant may disrupt the consensus splice site. For these reasons, this variant has been classified as Pathogenic.

Blueprint Genetics
Classification: Pathogenic for KRIT1-related disorders. Last evaluated: 2022-02-03. Review status: criteria provided, single submitter. Criteria: ACMG Guidelines, 2015. Collection method: clinical testing. Allele origin: germline. Affected: yes. Observed: 1 variant allele.

Literature cited by the submitters: PubMed 10508515 (cited by Labcorp Genetics (formerly Invitae), Labcorp); PubMed 11222804 (cited by Labcorp Genetics (formerly Invitae), Labcorp); PubMed 12404106 (cited by Labcorp Genetics (formerly Invitae), Labcorp); PubMed 24689081 (cited by Labcorp Genetics (formerly Invitae), Labcorp); PubMed 12882686 (cited by Labcorp Genetics (formerly Invitae), Labcorp).

NM_194454.3(KRIT1):c.1289C>G (p.Ser430Ter)

Gene: KRIT1 (KRIT1 ankyrin repeat containing; minus strand). Cytogenetic location: 7q21.2.
Variant type: single nucleotide variant.
Coding change: c.1289C>G on transcript NM_194454.3 (MANE Select); coding-DNA position 1289, C replaced by G.
Protein change: p.Ser430Ter; replaces serine 430 with a stop codon.
Molecular consequence: nonsense.
Genome position (GRCh38, 1-based): chr7:92,222,944, G>C on the plus strand (C>G on the coding strand, the complement: KRIT1 is on the minus strand). VCF-style: chr7-92222944-G-C. GRCh37 (hg19) VCF-style: chr7-91852258-G-C.
Other names: c.1145C>G, p.Ser382Ter (NM_001013406.2, NM_001350669.1, NM_001350670.1); c.575C>G, p.Ser192Ter (NM_001350671.1); c.1289C>G, p.Ser430Ter (NM_001350672.1, NM_001350673.1, NM_001350674.1 and 26 more transcripts); short protein forms S430*, S192*, S382*.
Identifiers: ClinVar variation 3720760 (VCV003720760.3).
Genomic context (GRCh38, chr7:92,222,944, plus strand): 5'-CCTTCCATTATCTGCTGCACTGTGGTATTATTTCCATGCTTCAATTCAACAGAACGATAT[G>C]ACCCATCCATTCTGTATATTCGAACTTTTTCATACTACAAGAAACGATAACTTACGTAAC-3'